The following is an entry in ClinVar:

NM_004006.3(DMD):c.2957A>G (p.Gln986Arg)

Gene: DMD (dystrophin; minus strand). Cytogenetic location: Xp21.1.
Variant type: single nucleotide variant.
Coding change: c.2957A>G on transcript NM_004006.3 (MANE Select); coding-DNA position 2957, A replaced by G.
Protein change: p.Gln986Arg; replaces glutamine 986 with arginine.
Molecular consequence: missense variant.
Genome position (GRCh38, 1-based): chrX:32,468,703, T>C on the plus strand (A>G on the coding strand, the complement: DMD is on the minus strand). VCF-style: chrX-32468703-T-C. GRCh37 (hg19) VCF-style: chrX-32486820-T-C.
Other names: c.2933A>G, p.Gln978Arg (NM_000109.4); c.2945A>G, p.Gln982Arg (NM_004009.3); c.2588A>G, p.Gln863Arg (NM_004010.3); short protein forms Q863R, Q978R, Q982R, Q986R.
Identifiers: ClinVar variation 1019157 (VCV001019157.12), dbSNP rs1386571829, ClinGen allele CA412667184.
Genomic context (GRCh38, chrX:32,468,703, plus strand): 5'-ATCTCTTTCACAGTGGTGCTGAGATAGTATAGGCCACTTTGTTGCTCTTGCAGAGAACTT[T>C]GTAAAGCCTAAAAAACAATTTTTTAAATACATTTACCCTAATTGATGAATAATAATTGAT-3'
Protein context (NP_003997.2, residues 976-996): EQRLGELQAL[Gln986Arg]SSLQEQQSGL

ClinVar aggregate classification (germline): Uncertain significance. Review status: criteria provided, single submitter (1 of 4 stars). 2 submissions from 2 submitters: Uncertain significance (1). 1 of the submissions does not count toward it. Last evaluated 2022-06-20.

Conditions:
Duchenne muscular dystrophy (DMD). Also called: MUSCULAR DYSTROPHY, PSEUDOHYPERTROPHIC PROGRESSIVE, DUCHENNE TYPE; Duchenne Muscular Dystrophy (DMD). Identifiers: Orphanet 98896, MedGen C0013264, MONDO:0010679, OMIM 310200.
Dystrophin deficiency.
Becker muscular dystrophy (BMD). Also called: MUSCULAR DYSTROPHY, PSEUDOHYPERTROPHIC PROGRESSIVE, BECKER TYPE; Becker Muscular Dystrophy (BMD). Identifiers: Orphanet 98895, MedGen C0917713, MONDO:0010311, OMIM 300376.
Cardiomyopathy (CMYO). Also called: Cardiomyopathies. Identifiers: Orphanet 167848, MedGen C0878544, MONDO:0004994, HP:0001638. Inheritance: Various modes of inheritance.

Allele frequency attached by ClinVar (database versions not stated): TOPMed below 0.00001; gnomAD 0.00001.
gnomAD v4.1: 1 of 1,207,334 alleles (0.000083%); highest among the groups gnomAD compares: Admixed American, 0.0022%; no homozygotes.

Submissions (2):

Labcorp Genetics (formerly Invitae), Labcorp
Classification: Uncertain significance for Duchenne muscular dystrophy. Last evaluated: 2022-06-20. Review status: criteria provided, single submitter. Criteria: Invitae Variant Classification Sherloc (09022015). Collection method: clinical testing. Allele origin: germline.
Comment: In summary, the available evidence is currently insufficient to determine the role of this variant in disease. Therefore, it has been classified as a Variant of Uncertain Significance. Algorithms developed to predict the effect of missense changes on protein structure and function are either unavailable or do not agree on the potential impact of this missense change (SIFT: "Deleterious"; PolyPhen-2: "Probably Damaging"; Align-GVGD: "Class C0"). ClinVar contains an entry for this variant (Variation ID: 1019157). This variant has not been reported in the literature in individuals affected with DMD-related conditions. This variant is not present in population databases (gnomAD no frequency). This sequence change replaces glutamine, which is neutral and polar, with arginine, which is basic and polar, at codon 986 of the DMD protein (p.Gln986Arg).

Natera, Inc.
Classification: Uncertain significance for Becker muscular dystrophy; Cardiomyopathy; Duchenne muscular dystrophy; Dystrophin deficiency. Last evaluated: 2019-08-26. Review status: no assertion criteria provided. Collection method: clinical testing. Allele origin: germline. Not counted in ClinVar's aggregate classification.